The following is an entry in ClinVar:

ClinVar aggregate classification (germline): Pathogenic (1 of 4 stars; one submission).

Conditions:
Hereditary hemorrhagic telangiectasia (HHT). Also called: Osler hemorrhagic telangiectasia syndrome; ORW DISEASE; Osler Weber Rendu syndrome; OSLER-RENDU-WEBER DISEASE. Identifiers: Orphanet 774, MedGen C0039445, MONDO:0019180. Disease mechanism: loss of function.

Submission:

Labcorp Genetics (formerly Invitae), Labcorp
Classification: Pathogenic for Hereditary hemorrhagic telangiectasia. Last evaluated: 2023-08-04. Review status: criteria provided, single submitter. Criteria: Invitae Variant Classification Sherloc (09022015). Collection method: clinical testing. Allele origin: germline.
Comment: For these reasons, this variant has been classified as Pathogenic. Variants that disrupt the consensus splice site are a relatively common cause of aberrant splicing (PMID: 17576681, 9536098). Studies have shown that this variant is associated with altered splicing resulting in skipping of exon 2 (PMID: 25970827). ClinVar contains an entry for this variant (Variation ID: 568333). This variant has been observed in individuals with ENG-related disease (PMID: 25970827; Invitae). This variant is not present in population databases (gnomAD no frequency). This sequence change falls in intron 1 of the ENG gene. It does not directly change the encoded amino acid sequence of the ENG protein. It affects a nucleotide within the consensus splice site.

Literature cited by the submitters: PubMed 17576681; PubMed 9536098; PubMed 25970827.

NM_001114753.3(ENG):c.68-3C>G

Gene: ENG (endoglin; minus strand). Cytogenetic location: 9q34.11.
Variant type: single nucleotide variant.
Coding change: c.68-3C>G on transcript NM_001114753.3 (MANE Select); 3 bases into the intron before coding-DNA position 68, C replaced by G.
Molecular consequence: intron variant.
Genome position (GRCh38, 1-based): chr9:127,843,248, G>C on the plus strand (C>G on the coding strand, the complement: ENG is on the minus strand). VCF-style: chr9-127843248-G-C. GRCh37 (hg19) VCF-style: chr9-130605527-G-C.
Other names: c.68-3C>G (NM_000118.4, NM_001406715.1); c.-479-3C>G (NM_001278138.2).
Identifiers: ClinVar variation 568333 (VCV000568333.8), dbSNP rs773334730, ClinGen allele CA891842534.